The following is an entry in ClinVar:

ClinVar aggregate classification (germline): Uncertain significance (1 of 4 stars; one submission).

Conditions:
Inborn genetic diseases. Identifiers: MedGen C0950123, MeSH D030342.

gnomAD v4.1: 3 of 1,614,156 alleles (0.00019%); highest among the groups gnomAD compares: Non-Finnish European, 0.00025%; no homozygotes.

Submission:

Ambry Genetics
Classification: Uncertain significance for Inborn genetic diseases. Last evaluated: 2025-02-09. Review status: criteria provided, single submitter. Criteria: Ambry Variant Classification Scheme 2023. Collection method: clinical testing. Allele origin: germline.
Comment: The p.G73C variant (also known as c.217G>T), located in coding exon 1 of the FANCM gene, results from a G to T substitution at nucleotide position 217. The glycine at codon 73 is replaced by cysteine, an amino acid with highly dissimilar properties. This amino acid position is conserved. In addition, this alteration is predicted to be tolerated by in silico analysis. Based on the available evidence, the clinical significance of this variant remains unclear.

NM_020937.4(FANCM):c.217G>T (p.Gly73Cys)

Gene: FANCM (FA complementation group M; plus strand). Cytogenetic location: 14q21.2.
Variant type: single nucleotide variant.
Coding change: c.217G>T on transcript NM_020937.4 (MANE Select); coding-DNA position 217, G replaced by T.
Protein change: p.Gly73Cys; replaces glycine 73 with cysteine.
Molecular consequence: missense variant.
Genome position (GRCh38, 1-based): chr14:45,136,248, G>T. VCF-style: chr14-45136248-G-T. GRCh37 (hg19) VCF-style: chr14-45605451-G-T.
Other names: c.217G>T, p.Gly73Cys (NM_001308133.2, NM_001308134.2); short protein forms G73C.
Identifiers: ClinVar variation 3848720 (VCV003848720.1).
Genomic context (GRCh38, chr14:45,136,248, plus strand): 5'-GACGATGATGTGTTGCTTGTCGCGGCGTACGAGGCTGAGCGGCAGTTGTGTCTAGAGAAT[G>T]GCGGGTTCTGCACCTCCGCGGGCGCCCTGTGGATTTACCCTACCAATTGCCCAGTGCGGG-3'
Protein context (NP_065988.1, residues 63-83): EAERQLCLEN[Gly73Cys]GFCTSAGALW